The following is an entry in ClinVar:

ClinVar aggregate classification (germline): Uncertain significance (1 of 4 stars; one submission).

Conditions:
Long QT syndrome 1 (LQT1). Identifiers: Orphanet 101016, Orphanet 768, MedGen C4551647, MONDO:0100316, OMIM 192500, MONDO:0008646.

Submission:

Labcorp Genetics (formerly Invitae), Labcorp
Classification: Uncertain significance for Long QT syndrome 1. Last evaluated: 2021-12-17. Review status: criteria provided, single submitter. Criteria: Invitae Variant Classification Sherloc (09022015). Collection method: clinical testing. Allele origin: germline.
Comment: In summary, the available evidence is currently insufficient to determine the role of this variant in disease. Therefore, it has been classified as a Variant of Uncertain Significance. This variant has not been reported in the literature in individuals affected with CALM3-related conditions. A copy number gain of the genomic region encompassing the full coding sequence of the CALM3 gene has been identified. The boundaries of this event are unknown as they extend beyond the assayed region for this gene and therefore may encompass additional genes. As the precise location of this event is unknown, it may be in tandem or it may be located elsewhere in the genome.

NC_000019.9:g.(?_47104692)_(47260195_?)dup

Genes: PTGIR (prostaglandin I2 receptor; minus strand), FKRP (fukutin related protein; plus strand), PRKD2 (protein kinase D2; minus strand), STRN4 (striatin 4; minus strand), CALM3 (calmodulin 3; plus strand) and 2 more. Cytogenetic location: 19q13.32.
Variant type: Duplication.
Identifiers: ClinVar variation 1411336 (VCV001411336.37).